The following is an entry in ClinVar:

NM_001193315.2(VIPAS39):c.1213A>G (p.Ile405Val)

Gene: VIPAS39 (VPS33B interacting protein, apical-basolateral polarity regulator, spe-39 homolog; minus strand). Cytogenetic location: 14q24.3.
Variant type: single nucleotide variant.
Coding change: c.1213A>G on transcript NM_001193315.2 (MANE Select); coding-DNA position 1213, A replaced by G.
Protein change: p.Ile405Val; replaces isoleucine 405 with valine.
Molecular consequence: missense variant. On other transcripts: non-coding transcript variant (1), intron variant (4).
Genome position (GRCh38, 1-based): chr14:77,429,734, T>C on the plus strand (A>G on the coding strand, the complement: VIPAS39 is on the minus strand). VCF-style: chr14-77429734-T-C. GRCh37 (hg19) VCF-style: chr14-77896077-T-C.
Other names: c.1213A>G, p.Ile405Val (NM_001193314.2, NM_001193317.2, NM_001400326.1 and 2 more transcripts); c.1066A>G, p.Ile356Val (NM_001193316.2, NM_001400324.1, NM_001400325.1); c.1180A>G, p.Ile394Val (NM_001400327.1); c.1120A>G, p.Ile374Val (NM_001400333.1, NM_001400334.1); c.1078A>G, p.Ile360Val (NM_001400336.1); c.973A>G, p.Ile325Val (NM_001400337.1); c.928A>G, p.Ile310Val (NM_001400339.1); c.988-639A>G (NM_001400338.1); and 2 more; short protein forms I356V, I374V, I394V, I310V, I325V, I360V, I405V.
Identifiers: ClinVar variation 2075284 (VCV002075284.4), dbSNP rs141567561, ClinGen allele CA7287793.

ClinVar aggregate classification (germline): Uncertain significance. Review status: criteria provided, multiple submitters, no conflicts (2 of 4 stars). 3 submissions from 3 submitters: Uncertain significance (3). Last evaluated 2024-01-22.

Conditions:
Inborn genetic diseases. Identifiers: MedGen C0950123, MeSH D030342.
Arthrogryposis, renal dysfunction, and cholestasis 2 (ARCS2). Identifiers: Orphanet 2697, MedGen C3150672, MONDO:0013255, OMIM 613404.

Allele frequency attached by ClinVar (database versions not stated): ExAC 0.00001; gnomAD 0.00002; gnomAD exomes 0.00002; TOPMed 0.00002; ESP Exome Variant Server 0.00008.
gnomAD v4.1: 15 of 1,614,020 alleles (0.00093%); highest among the groups gnomAD compares: Non-Finnish European, 0.0013%; no homozygotes.

Submissions (3):

Fulgent Genetics
Classification: Uncertain significance for Arthrogryposis, renal dysfunction, and cholestasis 2. Last evaluated: 2024-01-22. Review status: criteria provided, single submitter. Criteria: ACMG Guidelines, 2015. Collection method: clinical testing. Allele origin: germline.

Labcorp Genetics (formerly Invitae), Labcorp
Classification: Uncertain significance. Last evaluated: 2023-12-11. Review status: criteria provided, single submitter. Criteria: Invitae Variant Classification Sherloc (09022015). Collection method: clinical testing. Allele origin: germline.
Comment: This sequence change replaces isoleucine, which is neutral and non-polar, with valine, which is neutral and non-polar, at codon 405 of the VIPAS39 protein (p.Ile405Val). The frequency data for this variant in the population databases is considered unreliable, as metrics indicate poor data quality at this position in the gnomAD database. This variant has not been reported in the literature in individuals affected with VIPAS39-related conditions. ClinVar contains an entry for this variant (Variation ID: 2075284). Advanced modeling of protein sequence and biophysical properties (such as structural, functional, and spatial information, amino acid conservation, physicochemical variation, residue mobility, and thermodynamic stability) performed at Invitae indicates that this missense variant is not expected to disrupt VIPAS39 protein function with a negative predictive value of 80%. In summary, the available evidence is currently insufficient to determine the role of this variant in disease. Therefore, it has been classified as a Variant of Uncertain Significance.

Ambry Genetics
Classification: Uncertain significance for Inborn genetic diseases. Last evaluated: 2023-10-30. Review status: criteria provided, single submitter. Criteria: Ambry Variant Classification Scheme 2023. Collection method: clinical testing. Allele origin: germline.